The following is an entry in ClinVar:

ClinVar aggregate classification (germline): Uncertain significance. Review status: criteria provided, multiple submitters, no conflicts (2 of 4 stars). 2 submissions from 2 submitters: Uncertain significance (2). Last evaluated 2026-05-01.

Conditions:
Inborn genetic diseases. Identifiers: MedGen C0950123, MeSH D030342.

Allele frequency attached by ClinVar (database versions not stated): gnomAD exomes below 0.00001; TOPMed below 0.00001.

Submissions (2):

Ambry Genetics
Classification: Uncertain significance for Inborn genetic diseases. Last evaluated: 2026-05-01. Review status: criteria provided, single submitter. Criteria: Ambry Variant Classification Scheme 2023. Collection method: clinical testing. Allele origin: germline.
Comment: The p.F1416S variant (also known as c.4247T>C), located in coding exon 1 of the SAMD9L gene, results from a T to C substitution at nucleotide position 4247. The phenylalanine at codon 1416 is replaced by serine, an amino acid with highly dissimilar properties. This amino acid position is conserved. In addition, this alteration is predicted to be tolerated by in silico analysis. Based on the available evidence, the clinical significance of this variant remains unclear.

Labcorp Genetics (formerly Invitae), Labcorp
Classification: Uncertain significance. Last evaluated: 2023-04-04. Review status: criteria provided, single submitter. Criteria: Invitae Variant Classification Sherloc (09022015). Collection method: clinical testing. Allele origin: germline.
Comment: In summary, the available evidence is currently insufficient to determine the role of this variant in disease. Therefore, it has been classified as a Variant of Uncertain Significance. Algorithms developed to predict the effect of missense changes on protein structure and function output the following: SIFT: "Not Available"; PolyPhen-2: "Benign"; Align-GVGD: "Not Available". The serine amino acid residue is found in multiple mammalian species, which suggests that this missense change does not adversely affect protein function. This variant has not been reported in the literature in individuals affected with SAMD9L-related conditions. This variant is not present in population databases (gnomAD no frequency). This sequence change replaces phenylalanine, which is neutral and non-polar, with serine, which is neutral and polar, at codon 1416 of the SAMD9L protein (p.Phe1416Ser).

NM_152703.5(SAMD9L):c.4247T>C (p.Phe1416Ser)

Gene: SAMD9L (sterile alpha motif domain containing 9 like; minus strand). Cytogenetic location: 7q21.2.
Variant type: single nucleotide variant.
Coding change: c.4247T>C on transcript NM_152703.5 (MANE Select); coding-DNA position 4247, T replaced by C.
Protein change: p.Phe1416Ser; replaces phenylalanine 1416 with serine.
Molecular consequence: missense variant.
Genome position (GRCh38, 1-based): chr7:93,131,725, A>G on the plus strand (T>C on the coding strand, the complement: SAMD9L is on the minus strand). VCF-style: chr7-93131725-A-G. GRCh37 (hg19) VCF-style: chr7-92761038-A-G.
Other names: c.4247T>C, p.Phe1416Ser (NM_001350085.2, NM_001303496.3, NM_001303497.3 and 5 more transcripts); c.4247T>C (NM_152703.2); short protein forms F1416S.
Identifiers: ClinVar variation 2880603 (VCV002880603.4), dbSNP rs1792109448, ClinGen allele CA368175209.